The following is an entry in ClinVar:

ClinVar aggregate classification (germline): Uncertain significance (1 of 4 stars; one submission).

Conditions:
Cardiovascular phenotype. Identifiers: MedGen CN230736.

Allele frequency attached by ClinVar (database versions not stated): gnomAD exomes below 0.00001; TOPMed below 0.00001.
gnomAD v4.1: 3 of 1,613,164 alleles (0.00019%); highest among the groups gnomAD compares: African/African-American, 0.0013%; no homozygotes.

Submission:

Ambry Genetics
Classification: Uncertain significance for Cardiovascular phenotype. Last evaluated: 2022-01-20. Review status: criteria provided, single submitter. Criteria: Ambry Variant Classification Scheme 2023. Collection method: clinical testing. Allele origin: germline.
Comment: The p.R1448C variant (also known as c.4342C>T), located in coding exon 10 of the TNXB gene, results from a C to T substitution at nucleotide position 4342. The arginine at codon 1448 is replaced by cysteine, an amino acid with highly dissimilar properties. This amino acid position is highly conserved in available vertebrate species. In addition, this alteration is predicted to be tolerated by in silico analysis. Since supporting evidence is limited at this time, the clinical significance of this alteration remains unclear.

NM_001365276.2(TNXB):c.4342C>T (p.Arg1448Cys)

Gene: TNXB (tenascin XB; minus strand). Cytogenetic location: 6p21.33.
Variant type: single nucleotide variant.
Coding change: c.4342C>T on transcript NM_001365276.2 (MANE Select); coding-DNA position 4342, C replaced by T.
Protein change: p.Arg1448Cys; replaces arginine 1448 with cysteine.
Molecular consequence: missense variant.
Genome position (GRCh38, 1-based): chr6:32,079,066, G>A on the plus strand (C>T on the coding strand, the complement: TNXB is on the minus strand). VCF-style: chr6-32079066-G-A. GRCh37 (hg19) VCF-style: chr6-32046843-G-A.
Other names: c.4342C>T, p.Arg1448Cys (NM_019105.8); short protein forms R1448C.
Identifiers: ClinVar variation 1739869 (VCV001739869.2), dbSNP rs936775313, ClinGen allele CA363427761.
Genomic context (GRCh38, chr6:32,079,066, plus strand): 5'-CAAAGCAGGCCCCTGCCCCTCACTCACCTGTCACGCCCACGGCGGACACCGGGCCCACGC[G>A]CTGCCCCTCGTGGAGGCCGTACAGGTGCATCTTGTACTTGTGCCCGGGCTCTAGGCCTCC-3'
Protein context (NP_001352205.1, residues 1438-1458): MHLYGLHEGQ[Arg1448Cys]VGPVSAVGVT